The following is an entry in ClinVar:

NM_004415.4(DSP):c.3940G>T (p.Glu1314Ter)

Gene: DSP (desmoplakin; plus strand). Cytogenetic location: 6p24.3.
Variant type: single nucleotide variant.
Coding change: c.3940G>T on transcript NM_004415.4 (MANE Select); coding-DNA position 3940, G replaced by T.
Protein change: p.Glu1314Ter; replaces glutamic acid 1314 with a stop codon.
Molecular consequence: nonsense. On other transcripts: intron variant (1).
Genome position (GRCh38, 1-based): chr6:7,580,130, G>T. VCF-style: chr6-7580130-G-T. GRCh37 (hg19) VCF-style: chr6-7580363-G-T.
Other names: c.3940G>T, p.Glu1314Ter (NM_001319034.2); c.3582+358G>T (NM_001008844.3); short protein forms E1314*.
Identifiers: ClinVar variation 4787008 (VCV004787008.1).

ClinVar aggregate classification (germline): Pathogenic (1 of 4 stars; one submission).

Conditions:
Arrhythmogenic cardiomyopathy with wooly hair and keratoderma. Also called: Carvajal syndrome; PALMOPLANTAR KERATODERMA WITH LEFT VENTRICULAR CARDIOMYOPATHY AND WOOLLY HAIR; Dilated cardiomyopathy with woolly hair and keratoderma; Arrhythmogenic cardiomyopathy with woolly hair and keratoderma. Identifiers: Orphanet 65282, MedGen C1854063, MONDO:0011581, OMIM 605676.
Arrhythmogenic right ventricular dysplasia 8 (ARVD8). Also called: Arrhythmogenic Right Ventricular Dysplasia/Cardiomyopathy 8; ARRHYTHMOGENIC RIGHT VENTRICULAR DYSPLASIA, FAMILIAL, 8; ARRHYTHMOGENIC RIGHT VENTRICULAR CARDIOMYOPATHY 8. Identifiers: MedGen C1843896, MONDO:0011831, OMIM 607450.

Submission:

Labcorp Genetics (formerly Invitae), Labcorp
Classification: Pathogenic for Arrhythmogenic cardiomyopathy with wooly hair and keratoderma; Arrhythmogenic right ventricular dysplasia 8. Last evaluated: 2025-12-15. Review status: criteria provided, single submitter. Criteria: Invitae Variant Classification Sherloc (09022015). Collection method: clinical testing. Allele origin: germline.
Comment: This sequence change creates a premature translational stop signal (p.Glu1314*) in the DSP gene. It is expected to result in an absent or disrupted protein product. Loss-of-function variants in DSP are known to be pathogenic (PMID: 20716751, 24503780, 25227139, 30398466). This variant is not present in population databases (gnomAD no frequency). This variant has not been reported in the literature in individuals affected with DSP-related conditions. For these reasons, this variant has been classified as Pathogenic.

Literature cited by the submitters: PubMed 20716751; PubMed 24503780; PubMed 25227139; PubMed 30398466.